The following is an entry in ClinVar:

NM_021614.4(KCNN2):c.1741T>C (p.Tyr581His)

Genes: KCNN2 (potassium calcium-activated channel subfamily N member 2; plus strand), LOC101927078 (uncharacterized LOC101927078; minus strand). Cytogenetic location: 5q22.3.
Variant type: single nucleotide variant.
Coding change: c.1741T>C on transcript NM_021614.4 (MANE Select); coding-DNA position 1741, T replaced by C.
Protein change: p.Tyr581His; replaces tyrosine 581 with histidine.
Molecular consequence: missense variant. On other transcripts: non-coding transcript variant (2).
Genome position (GRCh38, 1-based): chr5:114,463,152, T>C. VCF-style: chr5-114463152-T-C. GRCh37 (hg19) VCF-style: chr5-113798849-T-C.
Other names: c.1939T>C, p.Tyr647His (NM_001372233.1); c.61T>C, p.Tyr21His (NM_170775.3); short protein forms Y21H, Y581H, Y647H.
Identifiers: ClinVar variation 3372325 (VCV003372325.1).

ClinVar aggregate classification (germline): Uncertain significance (1 of 4 stars; one submission).

gnomAD v4.1: 3 of 1,613,436 alleles (0.00019%); highest among the groups gnomAD compares: Non-Finnish European, 0.00025%; no homozygotes.

Submission:

GeneDx
Classification: Uncertain significance. Last evaluated: 2024-04-09. Review status: criteria provided, single submitter. Criteria: GeneDx Variant Classification Process June 2021. Collection method: clinical testing. Allele origin: germline. Affected: yes.
Comment: Not observed at significant frequency in large population cohorts (gnomAD); In silico analysis supports that this missense variant has a deleterious effect on protein structure/function; Has not been previously published as pathogenic or benign to our knowledge